The following is an entry in ClinVar:

NM_001365999.1(SZT2):c.4647C>T (p.Gly1549=)

Gene: SZT2 (SZT2 subunit of KICSTOR complex; plus strand). Cytogenetic location: 1p34.2.
Variant type: single nucleotide variant.
Coding change: c.4647C>T on transcript NM_001365999.1 (MANE Select); coding-DNA position 4647, C replaced by T.
Protein change: p.Gly1549=; no amino-acid change (glycine 1549 retained).
Molecular consequence: synonymous variant.
Genome position (GRCh38, 1-based): chr1:43,430,662, C>T. VCF-style: chr1-43430662-C-T. GRCh37 (hg19) VCF-style: chr1-43896333-C-T.
Other names: p.Gly1492=; c.4476C>T, p.Gly1492= (NM_015284.4).
Identifiers: ClinVar variation 212363 (VCV000212363.38), dbSNP rs149192929, ClinGen allele CA205063.
Genomic context (GRCh38, chr1:43,430,662, plus strand): 5'-CTCGCTGTCAGACGTAGACACTGTGAATCCTGATGAAGACTCCTTCAGTATCTTGGGGGG[C>T]GACTCACCCACTGGGCCTGAGAGCTTCCTTCATGACCTGCCACCGCTCTTCCTGCACCTC-3'
Protein context (NP_001352928.1, residues 1539-1559): PDEDSFSILG[Gly1549=]DSPTGPESFL

ClinVar aggregate classification (germline): Conflicting classifications of pathogenicity. Review status: criteria provided, conflicting classifications (1 of 4 stars). 4 submissions from 4 submitters: Uncertain significance (1); Likely benign (3). Last evaluated 2025-11-03.

Allele frequency attached by ClinVar (database versions not stated): gnomAD exomes 0.00002 and 0.00004; ExAC 0.00005; gnomAD 0.00017 and 0.00019; 1000 Genomes Project 0.00020; TOPMed 0.00021; ESP Exome Variant Server 0.00023; 1000 Genomes Project 30x 0.00031.
gnomAD v4.1: 52 of 1,614,074 alleles (0.0032%); highest among the groups gnomAD compares: African/African-American, 0.06%; no homozygotes.

Submissions (5):

Labcorp Genetics (formerly Invitae), Labcorp
Classification: Likely benign. Last evaluated: 2025-11-03. Review status: criteria provided, single submitter. Criteria: Invitae Variant Classification Sherloc (09022015). Collection method: clinical testing. Allele origin: germline.

Mayo Clinic Laboratories, Mayo Clinic
Classification: Likely benign. Last evaluated: 2024-12-30. Review status: criteria provided, single submitter. Criteria: ACMG Guidelines, 2015. Collection method: clinical testing. Allele origin: germline. Observed: 1 variant allele.
Comment: BP4, BP7

CeGaT Center for Human Genetics Tuebingen
Classification: Likely benign. Last evaluated: 2024-01-01. Review status: criteria provided, single submitter. Criteria: CeGaT Center For Human Genetics Tuebingen Variant Classification Criteria Version 2. Collection method: clinical testing. Allele origin: germline. Affected: yes. Observed: 1 variant allele.
Comment: SZT2: BP4, BP7

Genetic Services Laboratory, University of Chicago
Classification: Uncertain significance. Last evaluated: 2015-05-22. Review status: criteria provided, single submitter. Criteria: ACMG Guidelines, 2015. Collection method: clinical testing. Allele origin: germline.

Dr. Peter K. Rogan Lab, Western University
No classification provided (evidence only). Condition: Thyroid cancer, nonmedullary, 1. Review status: no classification provided. Collection method: in vitro. Allele origin: not applicable. Functional consequence: retained intron. Not counted in ClinVar's aggregate classification.